The following is an entry in ClinVar:

NM_013432.5(TONSL):c.3643G>A (p.Ala1215Thr)

Gene: TONSL (tonsoku like, DNA repair protein; minus strand). Cytogenetic location: 8q24.3.
Variant type: single nucleotide variant.
Coding change: c.3643G>A on transcript NM_013432.5 (MANE Select); coding-DNA position 3643, G replaced by A.
Protein change: p.Ala1215Thr; replaces alanine 1215 with threonine.
Molecular consequence: missense variant.
Genome position (GRCh38, 1-based): chr8:144,432,377, C>T on the plus strand (G>A on the coding strand, the complement: TONSL is on the minus strand). VCF-style: chr8-144432377-C-T. GRCh37 (hg19) VCF-style: chr8-145657760-C-T.
Other names: short protein forms A1215T.
Identifiers: ClinVar variation 2190899 (VCV002190899.3), dbSNP rs376729658, ClinGen allele CA4942422.
Genomic context (GRCh38, chr8:144,432,377, plus strand): 5'-GGTCCGAATCACCCTTGCCGGCTGCCACGGAGCTGAGCTCTAAGTGCAGGAGGGTGCCGG[C>T]GGGCAGGCTCTGCAGGGTCCTGGCCAGGGCAGGGGCTCCCAGGGCGTTGTAGGACAGGGA-3'
Protein context (NP_038460.4, residues 1205-1225): ALARTLQSLP[Ala1215Thr]GTLLHLELSS

ClinVar aggregate classification (germline): Conflicting classifications of pathogenicity. Review status: criteria provided, conflicting classifications (1 of 4 stars). 2 submissions from 2 submitters: Uncertain significance (1); Likely benign (1). Last evaluated 2024-10-15.

Allele frequency attached by ClinVar (database versions not stated): gnomAD exomes 0.00002; gnomAD 0.00004; ExAC 0.00005; TOPMed 0.00006; ESP Exome Variant Server 0.00008.
gnomAD v4.1: 30 of 1,612,038 alleles (0.0019%); highest among the groups gnomAD compares: Middle Eastern, 0.049%; 2 homozygotes.

Submissions (2):

Blueprint Genetics
Classification: Likely benign. Last evaluated: 2024-10-15. Review status: criteria provided, single submitter. Criteria: ACMG Guidelines, 2015. Collection method: clinical testing. Allele origin: germline.

Labcorp Genetics (formerly Invitae), Labcorp
Classification: Uncertain significance. Last evaluated: 2023-05-23. Review status: criteria provided, single submitter. Criteria: Invitae Variant Classification Sherloc (09022015). Collection method: clinical testing. Allele origin: germline.
Comment: In summary, the available evidence is currently insufficient to determine the role of this variant in disease. Therefore, it has been classified as a Variant of Uncertain Significance. Advanced modeling of protein sequence and biophysical properties (such as structural, functional, and spatial information, amino acid conservation, physicochemical variation, residue mobility, and thermodynamic stability) performed at Invitae indicates that this missense variant is not expected to disrupt TONSL protein function. ClinVar contains an entry for this variant (Variation ID: 2190899). This variant has not been reported in the literature in individuals affected with TONSL-related conditions. This variant is present in population databases (rs376729658, gnomAD 0.01%). This sequence change replaces alanine, which is neutral and non-polar, with threonine, which is neutral and polar, at codon 1215 of the TONSL protein (p.Ala1215Thr).